The following is an entry in ClinVar:

ClinVar aggregate classification (germline): Uncertain significance. Review status: criteria provided, multiple submitters, no conflicts (2 of 4 stars). 3 submissions from 3 submitters: Uncertain significance (2). 1 of the submissions does not count toward it. Last evaluated 2025-08-31.

Allele frequency attached by ClinVar (database versions not stated): ExAC 0.00003; gnomAD 0.00005; gnomAD exomes 0.00003; TOPMed 0.00008.

Submissions (3):

Ambry Genetics
Classification: Uncertain significance. Last evaluated: 2025-08-31. Review status: criteria provided, single submitter. Criteria: Ambry Variant Classification Scheme 2023. Collection method: clinical testing. Allele origin: germline.

Labcorp Genetics (formerly Invitae), Labcorp
Classification: Uncertain significance. Last evaluated: 2025-06-27. Review status: criteria provided, single submitter. Criteria: Invitae Variant Classification Sherloc (09022015). Collection method: clinical testing. Allele origin: germline.
Comment: This sequence change replaces arginine, which is basic and polar, with histidine, which is basic and polar, at codon 241 of the KLHDC8B protein (p.Arg241His). This variant is present in population databases (rs201206162, gnomAD 0.006%). This variant has not been reported in the literature in individuals affected with KLHDC8B-related conditions. ClinVar contains an entry for this variant (Variation ID: 2443158). An algorithm developed to predict the effect of missense changes on protein structure and function (PolyPhen-2) suggests that this variant is likely to be disruptive. In summary, the available evidence is currently insufficient to determine the role of this variant in disease. Therefore, it has been classified as a Variant of Uncertain Significance.

Genetic Services Laboratory, University of Chicago
Classification: Uncertain significance. Last evaluated: 2022-09-07. Review status: no assertion criteria provided. Collection method: clinical testing. Allele origin: germline. Affected: no. Not counted in ClinVar's aggregate classification.
Comment: DNA sequence analysis of the KLHDC8B gene demonstrated a sequence change, c.722G>A, in exon 4 that results in an amino acid change, p.Arg241His. This sequence change does not appear to have been previously described in individuals with KLHDC8B-related disorders. This sequence change has been described in the gnomAD database with a frequency of 0.0024% (dbSNP rs201206162). The p.Arg241His change affects a highly conserved amino acid residue located in a domain of the KLHDC8B protein that is not known to be functional. In-silico pathogenicity prediction tools (SIFT, PolyPhen2, Align GVGD, REVEL) provide contradictory results for the p.Arg241His substitution. Due to insufficient evidences and the lack of functional studies, the clinical significance of the p.Arg241His change remains unknown at this time.

NM_173546.3(KLHDC8B):c.722G>A (p.Arg241His)

Gene: KLHDC8B (kelch domain containing 8B; plus strand). Cytogenetic location: 3p21.31.
Variant type: single nucleotide variant.
Coding change: c.722G>A on transcript NM_173546.3 (MANE Select); coding-DNA position 722, G replaced by A.
Protein change: p.Arg241His; replaces arginine 241 with histidine.
Molecular consequence: missense variant.
Genome position (GRCh38, 1-based): chr3:49,174,922, G>A. VCF-style: chr3-49174922-G-A. GRCh37 (hg19) VCF-style: chr3-49212355-G-A.
Other names: short protein forms R241H.
Identifiers: ClinVar variation 2443158 (VCV002443158.6), dbSNP rs201206162, ClinGen allele CA2395559.